The following is an entry in ClinVar:

ClinVar aggregate classification (germline): Uncertain significance. Review status: criteria provided, multiple submitters, no conflicts (2 of 4 stars). 3 submissions from 3 submitters: Uncertain significance (2). 1 of the submissions does not count toward it. Last evaluated 2023-09-12.

Conditions:
MAGEL2-related disorder. Also called: MAGEL2-related condition.

Allele frequency attached by ClinVar (database versions not stated): TOPMed below 0.00001.

Submissions (3):

Labcorp Genetics (formerly Invitae), Labcorp
Classification: Uncertain significance. Last evaluated: 2023-09-12. Review status: criteria provided, single submitter. Criteria: Invitae Variant Classification Sherloc (09022015). Collection method: clinical testing. Allele origin: germline.
Comment: In summary, the available evidence is currently insufficient to determine the role of this variant in disease. Therefore, it has been classified as a Variant of Uncertain Significance. Experimental studies and prediction algorithms are not available or were not evaluated, and the functional significance of this variant is currently unknown. ClinVar contains an entry for this variant (Variation ID: 453006). This variant has not been reported in the literature in individuals affected with MAGEL2-related conditions. This variant is not present in population databases (gnomAD no frequency). This sequence change replaces alanine, which is neutral and non-polar, with proline, which is neutral and non-polar, at codon 400 of the MAGEL2 protein (p.Ala400Pro).

GeneDx
Classification: Uncertain significance. Last evaluated: 2022-01-31. Review status: criteria provided, single submitter. Criteria: GeneDx Variant Classification Process June 2021. Collection method: clinical testing. Allele origin: germline. Affected: yes.
Comment: Not observed at significant frequency in large population cohorts (gnomAD); In silico analysis supports that this missense variant does not alter protein structure/function; Has not been previously published as pathogenic or benign to our knowledge

PreventionGenetics, part of Exact Sciences
Classification: Uncertain significance for MAGEL2-related condition. Last evaluated: 2024-08-20. Review status: no assertion criteria provided. Collection method: clinical testing. Allele origin: germline. Not counted in ClinVar's aggregate classification.
Comment: The MAGEL2 c.1198G>C variant is predicted to result in the amino acid substitution p.Ala400Pro. To our knowledge, this variant has not been reported in the literature or in a large population database, indicating this variant is rare. At this time, the clinical significance of this variant is uncertain due to the absence of conclusive functional and genetic evidence.

NM_019066.5(MAGEL2):c.1198G>C (p.Ala400Pro)

Gene: MAGEL2 (MAGE family member L2; minus strand). Cytogenetic location: 15q11.2.
Variant type: single nucleotide variant.
Coding change: c.1198G>C on transcript NM_019066.5 (MANE Select); coding-DNA position 1198, G replaced by C.
Protein change: p.Ala400Pro; replaces alanine 400 with proline.
Molecular consequence: missense variant.
Genome position (GRCh38, 1-based): chr15:23,646,545, C>G on the plus strand (G>C on the coding strand, the complement: MAGEL2 is on the minus strand). VCF-style: chr15-23646545-C-G. GRCh37 (hg19) VCF-style: chr15-23891692-C-G.
Other names: short protein forms A400P.
Identifiers: ClinVar variation 453006 (VCV000453006.9), dbSNP rs955079464, ClinGen allele CA267660654.